The following is an entry in ClinVar:

ClinVar aggregate classification (germline): Uncertain significance (1 of 4 stars; one submission).

Conditions:
Hereditary spastic paraplegia 48. Also called: SPASTIC PARAPLEGIA 48, AUTOSOMAL RECESSIVE; Spastic paraplegia 48. Identifiers: Orphanet 306511, MedGen C3150901, MONDO:0013342, OMIM 613647.

Allele frequency attached by ClinVar (database versions not stated): ExAC 0.00001; gnomAD exomes 0.00001.

Submission:

Labcorp Genetics (formerly Invitae), Labcorp
Classification: Uncertain significance for Hereditary spastic paraplegia 48. Last evaluated: 2023-11-06. Review status: criteria provided, single submitter. Criteria: Invitae Variant Classification Sherloc (09022015). Collection method: clinical testing. Allele origin: germline.
Comment: This sequence change falls in intron 12 of the AP5Z1 gene. It does not directly change the encoded amino acid sequence of the AP5Z1 protein. This variant is present in population databases (rs779505778, gnomAD 0.004%). This variant has not been reported in the literature in individuals affected with AP5Z1-related conditions. ClinVar contains an entry for this variant (Variation ID: 1905342). Algorithms developed to predict the effect of sequence changes on RNA splicing suggest that this variant may disrupt the consensus splice site. In summary, the available evidence is currently insufficient to determine the role of this variant in disease. Therefore, it has been classified as a Variant of Uncertain Significance.

NM_014855.3(AP5Z1):c.1596-12_1596-11del

Gene: AP5Z1 (adaptor related protein complex 5 subunit zeta 1; plus strand). Cytogenetic location: 7p22.1.
Variant type: Deletion.
Coding change: c.1596-12_1596-11del on transcript NM_014855.3 (MANE Select); 12 bases into the intron before coding-DNA position 1596 through 11 bases into the intron before coding-DNA position 1596, 2 bases deleted (CT; older notation c.1596-12_1596-11delCT).
Molecular consequence: intron variant.
Genome position (GRCh38, 1-based): chr7:4,788,828-4,788,829, CT deleted. VCF-style (leftmost placement, unchanged base first): chr7-4788827-ACT-A. GRCh37 (hg19) VCF-style: chr7-4828458-ACT-A.
Other names: c.1128-12_1128-11del (NM_001364858.1).
Identifiers: ClinVar variation 1905342 (VCV001905342.3), dbSNP rs779505778, ClinGen allele CA4137933.
Genomic context (GRCh38, chr7:4,788,827, plus strand): 5'-TGGCGACGTGGCCCCGGCCTGCAGTCACCAGGTCGGGGAGCGGGCAGCACTCACGGCCAC[ACT>A]GTGTCCTCAGGTTGGCGCCACTCCACCAGCTGCTGCAGCCCATGGCCGGCTGTGCCCGCG-3'